The following is an entry in ClinVar:

NM_015046.7(SETX):c.3350C>T (p.Thr1117Ile)

Gene: SETX (senataxin; minus strand). Cytogenetic location: 9q34.13.
Variant type: single nucleotide variant.
Coding change: c.3350C>T on transcript NM_015046.7 (MANE Select); coding-DNA position 3350, C replaced by T.
Protein change: p.Thr1117Ile; replaces threonine 1117 with isoleucine.
Molecular consequence: missense variant.
Genome position (GRCh38, 1-based): chr9:132,328,248, G>A on the plus strand (C>T on the coding strand, the complement: SETX is on the minus strand). VCF-style: chr9-132328248-G-A. GRCh37 (hg19) VCF-style: chr9-135203635-G-A.
Other names: c.3350C>T, p.Thr1117Ile (NM_001351527.2, NM_001351528.2); short protein forms T1117I.
Identifiers: ClinVar variation 586543 (VCV000586543.9), dbSNP rs1564541749, ClinGen allele CA375330780.

ClinVar aggregate classification (germline): Uncertain significance. Review status: criteria provided, multiple submitters, no conflicts (2 of 4 stars). 4 submissions from 3 submitters: Uncertain significance (4). Last evaluated 2025-04-21.

Conditions:
Amyotrophic lateral sclerosis type 4 (ALS4). Also called: AMYOTROPHIC LATERAL SCLEROSIS 4, JUVENILE; NEURONOPATHY, DISTAL HEREDITARY MOTOR, WITH PYRAMIDAL FEATURES. Identifiers: Orphanet 357043, MedGen C1865409, MONDO:0011223, OMIM 602433.
Spinocerebellar ataxia, autosomal recessive, with axonal neuropathy 2 (SCAN2). Also called: Ataxia with Oculomotor Apraxia; Ataxia with Oculomotor Apraxia Type 2; ATAXIA-OCULOMOTOR APRAXIA 2; Ataxia-ocular apraxia-2. Identifiers: Orphanet 64753, MedGen C1853761, MONDO:0018996, OMIM 606002.

Allele frequency attached by ClinVar (database versions not stated): gnomAD exomes below 0.00001.

Submissions (4):

Labcorp Genetics (formerly Invitae), Labcorp
Classification: Uncertain significance for Amyotrophic lateral sclerosis type 4; Spinocerebellar ataxia, autosomal recessive, with axonal neuropathy 2. Last evaluated: 2025-04-21. Review status: criteria provided, single submitter. Criteria: Invitae Variant Classification Sherloc (09022015). Collection method: clinical testing. Allele origin: germline.
Comment: This sequence change replaces threonine, which is neutral and polar, with isoleucine, which is neutral and non-polar, at codon 1117 of the SETX protein (p.Thr1117Ile). This variant is not present in population databases (gnomAD no frequency). This variant has not been reported in the literature in individuals affected with SETX-related conditions. ClinVar contains an entry for this variant (Variation ID: 586543). Invitae Evidence Modeling of protein sequence and biophysical properties (such as structural, functional, and spatial information, amino acid conservation, physicochemical variation, residue mobility, and thermodynamic stability) indicates that this missense variant is not expected to disrupt SETX protein function with a negative predictive value of 95%. In summary, the available evidence is currently insufficient to determine the role of this variant in disease. Therefore, it has been classified as a Variant of Uncertain Significance.

Genome-Nilou Lab
Classification: Uncertain significance for Spinocerebellar ataxia, autosomal recessive, with axonal neuropathy 2. Last evaluated: 2023-02-08. Review status: criteria provided, single submitter. Criteria: ACMG Guidelines, 2015. Collection method: clinical testing. Allele origin: germline.

Genome-Nilou Lab
Classification: Uncertain significance for Amyotrophic lateral sclerosis type 4. Last evaluated: 2023-02-08. Review status: criteria provided, single submitter. Criteria: ACMG Guidelines, 2015. Collection method: clinical testing. Allele origin: germline.

Athena Diagnostics
Classification: Uncertain significance. Last evaluated: 2017-10-25. Review status: criteria provided, single submitter. Criteria: Athena Diagnostics Criteria. Collection method: clinical testing. Allele origin: germline.